The following is an entry in ClinVar:

ClinVar aggregate classification (germline): Uncertain significance (1 of 4 stars; one submission).

Conditions:
Neuroblastoma, susceptibility to, 3. Also called: ALK-Related Neuroblastic Tumor Susceptibility. Identifiers: Orphanet 635, MedGen C2751681, MONDO:0013083, OMIM 613014.

Submission:

Labcorp Genetics (formerly Invitae), Labcorp
Classification: Uncertain significance for Neuroblastoma, susceptibility to, 3. Last evaluated: 2025-11-10. Review status: criteria provided, single submitter. Criteria: Invitae Variant Classification Sherloc (09022015). Collection method: clinical testing. Allele origin: germline.
Comment: This sequence change replaces lysine, which is basic and polar, with glutamine, which is neutral and polar, at codon 313 of the ALK protein (p.Lys313Gln). This variant is not present in population databases (gnomAD no frequency). This variant has not been reported in the literature in individuals affected with ALK-related conditions. ClinVar contains an entry for this variant (Variation ID: 2802739). An algorithm developed to predict the effect of missense changes on protein structure and function (PolyPhen-2) suggests that this variant is likely to be tolerated. In summary, the available evidence is currently insufficient to determine the role of this variant in disease. Therefore, it has been classified as a Variant of Uncertain Significance.

NM_004304.5(ALK):c.937A>C (p.Lys313Gln)

Gene: ALK (ALK receptor tyrosine kinase; minus strand). Cytogenetic location: 2p23.2.
Variant type: single nucleotide variant.
Coding change: c.937A>C on transcript NM_004304.5 (MANE Select); coding-DNA position 937, A replaced by C.
Protein change: p.Lys313Gln; replaces lysine 313 with glutamine.
Molecular consequence: missense variant.
Genome position (GRCh38, 1-based): chr2:29,694,865, T>G on the plus strand (A>C on the coding strand, the complement: ALK is on the minus strand). VCF-style: chr2-29694865-T-G. GRCh37 (hg19) VCF-style: chr2-29917731-T-G.
Other names: short protein forms K313Q.
Identifiers: ClinVar variation 2802739 (VCV002802739.3), dbSNP rs2148289603, ClinGen allele CA346586842.